The following is an entry in ClinVar:

NM_001165963.4(SCN1A):c.5530C>A (p.Pro1844Thr)

Genes: SCN1A (sodium voltage-gated channel alpha subunit 1; minus strand), LOC102724058 (uncharacterized LOC102724058; plus strand). Cytogenetic location: 2q24.3.
Variant type: single nucleotide variant.
Coding change: c.5530C>A on transcript NM_001165963.4 (MANE Select); coding-DNA position 5530, C replaced by A.
Protein change: p.Pro1844Thr; replaces proline 1844 with threonine.
Molecular consequence: missense variant. On other transcripts: non-coding transcript variant (1).
Genome position (GRCh38, 1-based): chr2:165,991,745, G>T on the plus strand (C>A on the coding strand, the complement: SCN1A is on the minus strand). VCF-style: chr2-165991745-G-T. GRCh37 (hg19) VCF-style: chr2-166848255-G-T.
Other names: c.5497C>A, p.Pro1833Thr (NM_006920.6, NM_001353949.2, NM_001353950.2 and 2 more transcripts); c.5446C>A, p.Pro1816Thr (NM_001165964.3, NM_001353957.2, NM_001353958.2); c.5530C>A, p.Pro1844Thr (NM_001202435.3, NM_001353948.2); c.5494C>A, p.Pro1832Thr (NM_001353954.2, NM_001353955.2); c.5443C>A, p.Pro1815Thr (NM_001353960.2); c.3088C>A, p.Pro1030Thr (NM_001353961.2); short protein forms P1030T, P1815T, P1816T, P1832T, P1833T, P1844T.
Identifiers: ClinVar variation 4277306 (VCV004277306.1).

ClinVar aggregate classification (germline): Uncertain significance (1 of 4 stars; one submission).

Conditions:
Generalized epilepsy with febrile seizures plus, type 2 (GEFSP2). Also called: GEFS+, TYPE 2. Identifiers: Orphanet 36387, MedGen C1858673, MONDO:0011461, OMIM 604403.

Submission:

Suma Genomics
Classification: Uncertain significance for Generalized epilepsy with febrile seizures plus, type 2. Review status: criteria provided, single submitter. Criteria: ACMG Guidelines, 2015. Collection method: clinical testing. Allele origin: de novo. Inheritance: Autosomal dominant inheritance. Affected: yes. Observed: 1 heterozygote.
Comment: This variant is not observed in parents and the gnomAD database. In-silico analysis tool REVEL is consistent in predicting this variant to be disease-causing. ACMG classification: Variant of uncertain significance Criteria met: PM2_Supporting- Extremely low frequency in gnomAD population databases PM6: De novo in a patient with phenotype consistency, no family history and both maternity and paternity are assumed. PP3_moderate: For a missense variant, computational prediction tools unanimously support a deleterious effect on the gene